The following is an entry in ClinVar:

ClinVar aggregate classification (germline): Uncertain significance (1 of 4 stars; one submission).

Submission:

Ambry Genetics
Classification: Uncertain significance. Last evaluated: 2025-08-20. Review status: criteria provided, single submitter. Criteria: Ambry Variant Classification Scheme 2023. Collection method: clinical testing. Allele origin: germline.
Comment: The p.E478K variant (also known as c.1432G>A), located in coding exon 1 of the TET2 gene, results from a G to A substitution at nucleotide position 1432. The glutamic acid at codon 478 is replaced by lysine, an amino acid with similar properties. This amino acid position is conserved. In addition, this alteration is predicted to be tolerated by in silico analysis. Based on the available evidence, the clinical significance of this variant remains unclear.

NM_001127208.3(TET2):c.1432G>A (p.Glu478Lys)

Genes: TET2 (tet methylcytosine dioxygenase 2; plus strand), TET2-AS1 (TET2 antisense RNA 1; minus strand). Cytogenetic location: 4q24.
Variant type: single nucleotide variant.
Coding change: c.1432G>A on transcript NM_001127208.3 (MANE Select); coding-DNA position 1432, G replaced by A.
Protein change: p.Glu478Lys; replaces glutamic acid 478 with lysine.
Molecular consequence: missense variant.
Genome position (GRCh38, 1-based): chr4:105,235,374, G>A. VCF-style: chr4-105235374-G-A. GRCh37 (hg19) VCF-style: chr4-106156531-G-A.
Other names: c.1432G>A, p.Glu478Lys (NM_017628.4); short protein forms E478K.
Identifiers: ClinVar variation 4183025 (VCV004183025.1).